The following is an entry in ClinVar:

NM_013964.5(NRG1):c.113G>A (p.Arg38Gln)

Gene: NRG1 (neuregulin 1; plus strand). Cytogenetic location: 8p12.
Variant type: single nucleotide variant.
Coding change: c.113G>A on transcript NM_013964.5 (MANE Select); coding-DNA position 113, G replaced by A.
Protein change: p.Arg38Gln; replaces arginine 38 with glutamine.
Molecular consequence: missense variant. On other transcripts: 5 prime UTR variant (2).
Genome position (GRCh38, 1-based): chr8:32,595,840, G>A. VCF-style: chr8-32595840-G-A. GRCh37 (hg19) VCF-style: chr8-32453358-G-A.
Other names: c.50G>A, p.Arg17Gln (NM_001159995.3, NM_001159999.3, NM_001160001.3 and 1 more transcripts); c.113G>A, p.Arg38Gln (NM_001160002.2, NM_001160004.3, NM_001160005.2 and 8 more transcripts); c.-543G>A (NM_001322201.2); c.-492G>A (NM_001322202.2); c.758G>A, p.Arg253Gln (NM_013962.3); short protein forms R17Q, R253Q, R38Q.
Identifiers: ClinVar variation 3059329 (VCV003059329.3), dbSNP rs3924999, ClinGen allele CA4705476.

ClinVar aggregate classification (germline): Benign. Review status: criteria provided, single submitter (1 of 4 stars). 2 submissions from 2 submitters: Benign (1). 1 of the submissions does not count toward it. Last evaluated 2024-11-27.

Conditions:
NRG1-related disorder. Also called: NRG1-related condition.

Allele frequency attached by ClinVar (database versions not stated): ESP Exome Variant Server 0.30678; TOPMed 0.31892; gnomAD 0.32118; 1000 Genomes Project 30x 0.37539; 1000 Genomes Project 0.38518; ExAC 0.39128.
gnomAD v4.1: 632,518 of 1,602,172 alleles (39%); highest among the groups gnomAD compares: East Asian, 77%; 132,325 homozygotes.

Submissions (2):

Blueprint Genetics
Classification: Benign. Last evaluated: 2024-11-27. Review status: criteria provided, single submitter. Criteria: ACMG Guidelines, 2015. Collection method: clinical testing. Allele origin: germline.

PreventionGenetics, part of Exact Sciences
Classification: Benign for NRG1-related condition. Last evaluated: 2019-03-27. Review status: no assertion criteria provided. Collection method: clinical testing. Allele origin: germline. Not counted in ClinVar's aggregate classification.
Comment: This variant is classified as benign based on ACMG/AMP sequence variant interpretation guidelines (Richards et al. 2015 PMID: 25741868, with internal and published modifications).